The following is an entry in ClinVar:

NM_001083961.2(WDR62):c.1535G>A (p.Arg512Gln)

Gene: WDR62 (WD repeat domain 62; plus strand). Cytogenetic location: 19q13.12.
Variant type: single nucleotide variant.
Coding change: c.1535G>A on transcript NM_001083961.2 (MANE Select); coding-DNA position 1535, G replaced by A.
Protein change: p.Arg512Gln; replaces arginine 512 with glutamine.
Molecular consequence: missense variant.
Genome position (GRCh38, 1-based): chr19:36,083,226, G>A. VCF-style: chr19-36083226-G-A. GRCh37 (hg19) VCF-style: chr19-36574128-G-A.
Other names: c.1520G>A, p.Arg507Gln (NM_001411145.1); c.1535G>A, p.Arg512Gln (NM_001411146.1, NM_173636.5); c.1184G>A, p.Arg395Gln (NM_001411147.1); short protein forms R395Q, R507Q, R512Q.
Identifiers: ClinVar variation 2719922 (VCV002719922.3), dbSNP rs375417358, ClinGen allele CA9395625.

ClinVar aggregate classification (germline): Uncertain significance (1 of 4 stars; one submission).

Allele frequency attached by ClinVar (database versions not stated): ExAC 0.00003.
gnomAD v4.1: 29 of 1,601,510 alleles (0.0018%); highest among the groups gnomAD compares: East Asian, 0.0022%; no homozygotes.

Submission:

Labcorp Genetics (formerly Invitae), Labcorp
Classification: Uncertain significance. Last evaluated: 2023-05-05. Review status: criteria provided, single submitter. Criteria: Invitae Variant Classification Sherloc (09022015). Collection method: clinical testing. Allele origin: germline.
Comment: This variant has not been reported in the literature in individuals affected with WDR62-related conditions. In summary, the available evidence is currently insufficient to determine the role of this variant in disease. Therefore, it has been classified as a Variant of Uncertain Significance. Algorithms developed to predict the effect of sequence changes on RNA splicing suggest that this variant may disrupt the consensus splice site. Advanced modeling of protein sequence and biophysical properties (such as structural, functional, and spatial information, amino acid conservation, physicochemical variation, residue mobility, and thermodynamic stability) performed at Invitae indicates that this missense variant is expected to disrupt WDR62 protein function. This variant is present in population databases (rs375417358, gnomAD 0.007%). This sequence change replaces arginine, which is basic and polar, with glutamine, which is neutral and polar, at codon 512 of the WDR62 protein (p.Arg512Gln).